The following is an entry in ClinVar:

NM_000795.4(DRD2):c.820C>T (p.Arg274Trp)

Gene: DRD2 (dopamine receptor D2; minus strand). Cytogenetic location: 11q23.2.
Variant type: single nucleotide variant.
Coding change: c.820C>T on transcript NM_000795.4 (MANE Select); coding-DNA position 820, C replaced by T.
Protein change: p.Arg274Trp; replaces arginine 274 with tryptophan.
Molecular consequence: missense variant.
Genome position (GRCh38, 1-based): chr11:113,412,874, G>A on the plus strand (C>T on the coding strand, the complement: DRD2 is on the minus strand). VCF-style: chr11-113412874-G-A. GRCh37 (hg19) VCF-style: chr11-113283596-G-A.
Other names: c.733C>T, p.Arg245Trp (NM_016574.4); short protein forms R245W, R274W.
Identifiers: ClinVar variation 655174 (VCV000655174.8), dbSNP rs1027227661, ClinGen allele CA228625720.

ClinVar aggregate classification (germline): Uncertain significance (1 of 4 stars; one submission).

Conditions:
Dystonic disorder. Also called: Dystonia. Identifiers: MedGen C0013421, MONDO:0003441, HP:0001332.

Allele frequency attached by ClinVar (database versions not stated): gnomAD exomes below 0.00001; TOPMed 0.00002.
gnomAD v4.1: 2 of 1,611,222 alleles (0.00012%); highest among the groups gnomAD compares: Non-Finnish European, 0.00017%; no homozygotes.

Submission:

Labcorp Genetics (formerly Invitae), Labcorp
Classification: Uncertain significance for Dystonic disorder. Last evaluated: 2018-11-20. Review status: criteria provided, single submitter. Criteria: Invitae Variant Classification Sherloc (09022015). Collection method: clinical testing. Allele origin: germline.
Comment: This variant is not present in population databases (ExAC no frequency). This sequence change replaces arginine with tryptophan at codon 274 of the DRD2 protein (p.Arg274Trp). The arginine residue is moderately conserved and there is a moderate physicochemical difference between arginine and tryptophan. In summary, the available evidence is currently insufficient to determine the role of this variant in disease. Therefore, it has been classified as a Variant of Uncertain Significance. Algorithms developed to predict the effect of missense changes on protein structure and function are either unavailable or do not agree on the potential impact of this missense change (SIFT: "Deleterious"; PolyPhen-2: "Probably Damaging"; Align-GVGD: "Class C15"). This variant has not been reported in the literature in individuals with DRD2-related disease.